The following is an entry in ClinVar:

ClinVar aggregate classification (germline): Uncertain significance (1 of 4 stars; one submission).

Conditions:
Infantile-onset X-linked spinal muscular atrophy. Also called: SPINAL MUSCULAR ATROPHY, X-LINKED LETHAL INFANTILE; Spinal Muscular Atrophy, X-Linked Infantile; Spinal muscular atrophy, X-linked 2; AMC, DISTAL, X-LINKED; ARTHROGRYPOSIS, X-LINKED, TYPE I. Identifiers: Orphanet 1145, MedGen C1844934, MONDO:0010532, OMIM 301830.

Submission:

Labcorp Genetics (formerly Invitae), Labcorp
Classification: Uncertain significance for Infantile-onset X-linked spinal muscular atrophy. Last evaluated: 2025-09-16. Review status: criteria provided, single submitter. Criteria: Invitae Variant Classification Sherloc (09022015). Collection method: clinical testing. Allele origin: germline.
Comment: This sequence change replaces alanine, which is neutral and non-polar, with valine, which is neutral and non-polar, at codon 128 of the UBA1 protein (p.Ala128Val). This variant is not present in population databases (gnomAD no frequency). This variant has not been reported in the literature in individuals affected with UBA1-related conditions. An algorithm developed to predict the effect of missense changes on protein structure and function (PolyPhen-2) suggests that this variant is likely to be disruptive. In summary, the available evidence is currently insufficient to determine the role of this variant in disease. Therefore, it has been classified as a Variant of Uncertain Significance.

NM_003334.4(UBA1):c.383C>T (p.Ala128Val)

Gene: UBA1 (ubiquitin like modifier activating enzyme 1; plus strand). Cytogenetic location: Xp11.3.
Variant type: single nucleotide variant.
Coding change: c.383C>T on transcript NM_003334.4 (MANE Select); coding-DNA position 383, C replaced by T.
Protein change: p.Ala128Val; replaces alanine 128 with valine.
Molecular consequence: missense variant.
Genome position (GRCh38, 1-based): chrX:47,199,517, C>T. VCF-style: chrX-47199517-C-T. GRCh37 (hg19) VCF-style: chrX-47058916-C-T.
Other names: c.425C>T, p.Ala142Val (NM_001440807.1); c.401C>T, p.Ala134Val (NM_001440809.1, NM_001440810.1); c.383C>T, p.Ala128Val (NM_001440811.1, NM_001440812.1, NM_153280.3); short protein forms A142V, A134V, A128V.
Identifiers: ClinVar variation 4765842 (VCV004765842.1).
Genomic context (GRCh38, chrX:47,199,517, plus strand): 5'-TTCCCTACTGCACACCCTTACAGTTCTACCTGCGGGAGGAGGACATCGGTAAAAACCGGG[C>T]CGAGGTATCACAGCCCCGCCTCGCTGAGCTCAACAGCTATGTGCCTGTCACTGCCTACAC-3'
Protein context (NP_003325.2, residues 118-138): LREEDIGKNR[Ala128Val]EVSQPRLAEL